The following is an entry in ClinVar:

NM_139057.4(ADAMTS17):c.1214C>T (p.Ser405Phe)

Gene: ADAMTS17 (ADAM metallopeptidase with thrombospondin type 1 motif 17; minus strand). Cytogenetic location: 15q26.3.
Variant type: single nucleotide variant.
Coding change: c.1214C>T on transcript NM_139057.4 (MANE Select); coding-DNA position 1214, C replaced by T.
Protein change: p.Ser405Phe; replaces serine 405 with phenylalanine.
Molecular consequence: missense variant.
Genome position (GRCh38, 1-based): chr15:100,155,288, G>A on the plus strand (C>T on the coding strand, the complement: ADAMTS17 is on the minus strand). VCF-style: chr15-100155288-G-A. GRCh37 (hg19) VCF-style: chr15-100695493-G-A.
Other names: short protein forms S405F.
Identifiers: ClinVar variation 2968369 (VCV002968369.3), dbSNP rs1308988204, ClinGen allele CA393934602.

ClinVar aggregate classification (germline): Uncertain significance (1 of 4 stars; one submission).

Allele frequency attached by ClinVar (database versions not stated): gnomAD exomes below 0.00001.
gnomAD v4.1: 2 of 1,614,036 alleles (0.00012%); highest among the groups gnomAD compares: Admixed American, 0.0017%; no homozygotes.

Submission:

Labcorp Genetics (formerly Invitae), Labcorp
Classification: Uncertain significance. Last evaluated: 2023-12-22. Review status: criteria provided, single submitter. Criteria: Invitae Variant Classification Sherloc (09022015). Collection method: clinical testing. Allele origin: germline.
Comment: This sequence change replaces serine, which is neutral and polar, with phenylalanine, which is neutral and non-polar, at codon 405 of the ADAMTS17 protein (p.Ser405Phe). This variant is not present in population databases (gnomAD no frequency). This variant has not been reported in the literature in individuals affected with ADAMTS17-related conditions. An algorithm developed to predict the effect of missense changes on protein structure and function (PolyPhen-2) suggests that this variant is likely to be disruptive. Algorithms developed to predict the effect of sequence changes on RNA splicing suggest that this variant may disrupt the consensus splice site. In summary, the available evidence is currently insufficient to determine the role of this variant in disease. Therefore, it has been classified as a Variant of Uncertain Significance.